The following is an entry in ClinVar:

NM_001395426.1(PDE4DIP):c.6675C>A (p.Thr2225=)

Gene: PDE4DIP (phosphodiesterase 4D interacting protein; plus strand). Cytogenetic location: 1q21.2.
Variant type: single nucleotide variant.
Coding change: c.6675C>A on transcript NM_001395426.1 (MANE Select); coding-DNA position 6675, C replaced by A.
Protein change: p.Thr2225=; no amino-acid change (threonine 2225 retained).
Molecular consequence: synonymous variant.
Genome position (GRCh38, 1-based): chr1:149,027,435, C>A. VCF-style: chr1-149027435-C-A. GRCh37 (hg19) VCF-style: chr1-144857008-G-T.
Other names: c.6159C>A, p.Thr2053= (NM_001198832.4, NM_001395311.1); c.6477C>A, p.Thr2159= (NM_001198834.5, NM_014644.7); c.6963C>A, p.Thr2321= (NM_001350520.2); c.6771C>A, p.Thr2257= (NM_001350521.4); c.6318C>A, p.Thr2106= (NM_001350522.3); c.6156C>A, p.Thr2052= (NM_001350523.3, NM_001395312.1); c.6888C>A, p.Thr2296= (NM_001377392.2); c.6345C>A, p.Thr2115= (NM_001377393.2, NM_001395306.1); and 13 more.
Identifiers: ClinVar variation 2639067 (VCV002639067.24), dbSNP rs377413742, ClinGen allele CA1044734.
Genomic context (GRCh38, chr1:149,027,435, plus strand): 5'-TGTTGTGTTGTCATTTTCTTTTTCAGGCTTGGGTTTGGATACTTCTCCAGTAATGAAGAC[C>A]CCTCCCAAGCTAGAGGGTGATGCTACTGATGGCTCCTTTGCCAATAAGCATGGCCGCCAT-3'
Protein context (NP_001382355.1, residues 2215-2235): LGLDTSPVMK[Thr2225=]PPKLEGDATD

ClinVar aggregate classification (germline): Likely benign (1 of 4 stars; one submission).

Allele frequency attached by ClinVar (database versions not stated): gnomAD exomes 0.00004; 1000 Genomes Project 30x 0.00016; TOPMed 0.00032; ESP Exome Variant Server 0.00046.

Submission:

CeGaT Center for Human Genetics Tuebingen
Classification: Likely benign. Last evaluated: 2023-04-01. Review status: criteria provided, single submitter. Criteria: CeGaT Center For Human Genetics Tuebingen Variant Classification Criteria Version 2. Collection method: clinical testing. Allele origin: germline. Affected: yes. Observed: 1 variant allele.
Comment: PDE4DIP: BP4, BP7